The following is an entry in ClinVar:

NM_006445.4(PRPF8):c.4781G>A (p.Cys1594Tyr)

Gene: PRPF8 (pre-mRNA processing factor 8; minus strand). Cytogenetic location: 17p13.3.
Variant type: single nucleotide variant.
Coding change: c.4781G>A on transcript NM_006445.4 (MANE Select); coding-DNA position 4781, G replaced by A.
Protein change: p.Cys1594Tyr; replaces cysteine 1594 with tyrosine.
Molecular consequence: missense variant.
Genome position (GRCh38, 1-based): chr17:1,660,436, C>T on the plus strand (G>A on the coding strand, the complement: PRPF8 is on the minus strand). VCF-style: chr17-1660436-C-T. GRCh37 (hg19) VCF-style: chr17-1563730-C-T.
Other names: short protein forms C1594Y.
Identifiers: ClinVar variation 3023487 (VCV003023487.5), dbSNP rs770896496, ClinGen allele CA8271591.

ClinVar aggregate classification (germline): Uncertain significance. Review status: criteria provided, multiple submitters, no conflicts (2 of 4 stars). 2 submissions from 2 submitters: Uncertain significance (2). Last evaluated 2025-01-07.

Conditions:
Retinitis pigmentosa 13 (RP13). Also called: PRPF 8-Related Retinitis Pigmentosa. Identifiers: Orphanet 791, MedGen C1838702, MONDO:0010806, OMIM 600059.

Allele frequency attached by ClinVar (database versions not stated): ExAC 0.00002.

Submissions (2):

Dasa
Classification: Uncertain significance for Retinitis pigmentosa 13. Last evaluated: 2025-01-07. Review status: criteria provided, single submitter. Criteria: DASA Assertion Criteria. Collection method: clinical testing. Allele origin: germline.
Comment: NM_006445.4(PRPF8):c.4781G>A (p.Cys1594Tyr) is a missense variant that results in the substitution of cysteine with tyrosine. This variant is rare in population databases. Computational prediction algorithms are consistent with a deleterious effect. The currently available literature and clinical evidence are not sufficient to establish a definitive association between this variant and the reported condition. Therefore, this variant is classified as a variant of uncertain significance.

Labcorp Genetics (formerly Invitae), Labcorp
Classification: Uncertain significance. Last evaluated: 2023-03-08. Review status: criteria provided, single submitter. Criteria: Invitae Variant Classification Sherloc (09022015). Collection method: clinical testing. Allele origin: germline.
Comment: In summary, the available evidence is currently insufficient to determine the role of this variant in disease. Therefore, it has been classified as a Variant of Uncertain Significance. Advanced modeling of protein sequence and biophysical properties (such as structural, functional, and spatial information, amino acid conservation, physicochemical variation, residue mobility, and thermodynamic stability) has been performed at Invitae for this missense variant, however the output from this modeling did not meet the statistical confidence thresholds required to predict the impact of this variant on PRPF8 protein function. This variant has not been reported in the literature in individuals affected with PRPF8-related conditions. This variant is present in population databases (rs770896496, gnomAD 0.006%). This sequence change replaces cysteine, which is neutral and slightly polar, with tyrosine, which is neutral and polar, at codon 1594 of the PRPF8 protein (p.Cys1594Tyr).